The following is an entry in ClinVar:

ClinVar aggregate classification (germline): Uncertain significance (1 of 4 stars; one submission).

Submission:

Women's Health and Genetics/Laboratory Corporation of America, LabCorp
Classification: Uncertain significance. Last evaluated: 2024-12-02. Review status: criteria provided, single submitter. Criteria: LabCorp Variant Classification Summary - May 2015. Collection method: clinical testing. Allele origin: germline.
Comment: Variant summary: SETD1B c.2362G>A (p.Gly788Ser) results in a non-conservative amino acid change in the encoded protein sequence. Three of four in-silico tools predict a benign effect of the variant on protein function. The variant was absent in 124298 control chromosomes. The available data on variant occurrences in the general population are insufficient to allow any conclusion about variant significance. To our knowledge, no occurrence of c.2362G>A in individuals affected with Intellectual Developmental Disorder With Seizures And Language Delay and no experimental evidence demonstrating its impact on protein function have been reported. No submitters have cited clinical-significance assessments for this variant to ClinVar. Based on the evidence outlined above, the variant was classified as uncertain significance.

NM_001353345.2(SETD1B):c.2362G>A (p.Gly788Ser)

Gene: SETD1B (SET domain containing 1B, histone lysine methyltransferase; plus strand). Cytogenetic location: 12q24.31.
Variant type: single nucleotide variant.
Coding change: c.2362G>A on transcript NM_001353345.2 (MANE Select); coding-DNA position 2362, G replaced by A.
Protein change: p.Gly788Ser; replaces glycine 788 with serine.
Molecular consequence: missense variant.
Genome position (GRCh38, 1-based): chr12:121,814,577, G>A. VCF-style: chr12-121814577-G-A. GRCh37 (hg19) VCF-style: chr12-122252483-G-A.
Other names: short protein forms G788S.
Identifiers: ClinVar variation 3768366 (VCV003768366.1).